The following is an entry in ClinVar:

ClinVar aggregate classification (germline): Likely pathogenic (1 of 4 stars; one submission).

Conditions:
Megalencephaly-polymicrogyria-polydactyly-hydrocephalus syndrome 1 (MPPH1). Also called: MEGALENCEPHALY, MEGA CORPUS CALLOSUM, AND COMPLETE LACK OF MOTOR DEVELOPMENT; MEGALENCEPHALY, POLYMICROGYRIA, MEGA CORPUS CALLOSUM SYNDROME. Identifiers: Orphanet 83473, MedGen C4012727, MONDO:0011313, OMIM 603387.

Submission:

3billion
Classification: Likely pathogenic for Megalencephaly-polymicrogyria-polydactyly-hydrocephalus syndrome 1. Last evaluated: 2022-05-22. Review status: criteria provided, single submitter. Criteria: ACMG Guidelines, 2015. Collection method: clinical testing. Allele origin: germline. Affected: yes. Observed: 1 heterozygote.
Comment: The variant is not observed in the gnomAD v2.1.1 dataset. The variant is located in a mutational hot spot and/or well-established functional domain in which established pathogenic variants have been reported. In silico tool predictions suggest damaging effect of the variant on gene or gene product (REVEL: 0.31; 3Cnet: 0.98). Same nucleotide change resulting in same amino acid change has been previously reported to be associated with PIK3R2 related disorder (ClinVar ID: VCV000376165). Therefore, this variant is classified as likely pathogenic according to the recommendation of ACMG/AMP guideline.

NM_005027.4(PIK3R2):c.1681A>G (p.Asn561Asp)

Gene: PIK3R2 (phosphoinositide-3-kinase regulatory subunit 2; plus strand). Cytogenetic location: 19p13.11.
Variant type: single nucleotide variant.
Coding change: c.1681A>G on transcript NM_005027.4 (MANE Select); coding-DNA position 1681, A replaced by G.
Protein change: p.Asn561Asp; replaces asparagine 561 with aspartic acid.
Molecular consequence: missense variant. On other transcripts: non-coding transcript variant (2).
Genome position (GRCh38, 1-based): chr19:18,167,251, A>G. VCF-style: chr19-18167251-A-G. GRCh37 (hg19) VCF-style: chr19-18278061-A-G.
Other names: c.1681A>G, p.Asn561Asp (LRG_1392t1); short protein forms N561D.
Identifiers: ClinVar variation 376165 (VCV000376165.2), dbSNP rs1057519801, ClinGen allele CA16602622.
Genomic context (GRCh38, chr19:18,167,251, plus strand): 5'-AAGCTGGAGCAGCAGCTGCGGGCCCAGGCCTCGGACAACAGAGAGATCGACAAGCGCATG[A>G]ACAGCCTCAAGCCGGACCTCATGCAGCTGCGCAAGATCCGAGACCAGTACCTCGTGTAAG-3'
Protein context (NP_005018.2, residues 551-571): SDNREIDKRM[Asn561Asp]SLKPDLMQLR